The following is an entry in ClinVar:

NM_016123.4(IRAK4):c.1369A>T (p.Met457Leu)

Gene: IRAK4 (interleukin 1 receptor associated kinase 4; plus strand). Cytogenetic location: 12q12.
Variant type: single nucleotide variant.
Coding change: c.1369A>T on transcript NM_016123.4 (MANE Select); coding-DNA position 1369, A replaced by T.
Protein change: p.Met457Leu; replaces methionine 457 with leucine.
Molecular consequence: missense variant.
Genome position (GRCh38, 1-based): chr12:43,786,701, A>T. VCF-style: chr12-43786701-A-T. GRCh37 (hg19) VCF-style: chr12-44180504-A-T.
Other names: c.1369A>T, p.Met457Leu (NM_001114182.3, NM_001351345.2); c.997A>T, p.Met333Leu (NM_001145256.2, NM_001145257.2, NM_001145258.2 and 5 more transcripts); c.760A>T, p.Met254Leu (NM_001351343.2, NM_001351344.2); short protein forms M254L, M333L, M457L.
Identifiers: ClinVar variation 1000989 (VCV001000989.7), dbSNP rs1565689685, ClinGen allele CA384478541.

ClinVar aggregate classification (germline): Uncertain significance (1 of 4 stars; one submission).

Conditions:
Immunodeficiency 67. Also called: Immunodeficiency due to interleukin-1 receptor-associated kinase-4 deficiency. Identifiers: Orphanet 70592, MedGen C1843256, MONDO:0011888, OMIM 607676.

Allele frequency attached by ClinVar (database versions not stated): gnomAD exomes below 0.00001; TOPMed below 0.00001; gnomAD 0.00001.
gnomAD v4.1: 11 of 1,613,502 alleles (0.00068%); highest among the groups gnomAD compares: Non-Finnish European, 0.00093%; no homozygotes.

Submission:

Labcorp Genetics (formerly Invitae), Labcorp
Classification: Uncertain significance for Immunodeficiency 67. Last evaluated: 2021-01-06. Review status: criteria provided, single submitter. Criteria: Invitae Variant Classification Sherloc (09022015). Collection method: clinical testing. Allele origin: germline.
Comment: Algorithms developed to predict the effect of missense changes on protein structure and function (SIFT, PolyPhen-2, Align-GVGD) all suggest that this variant is likely to be tolerated, but these predictions have not been confirmed by published functional studies and their clinical significance is uncertain. In summary, the available evidence is currently insufficient to determine the role of this variant in disease. Therefore, it has been classified as a Variant of Uncertain Significance. This variant has not been reported in the literature in individuals with IRAK4-related conditions. This variant is not present in population databases (ExAC no frequency). This sequence change replaces methionine with leucine at codon 457 of the IRAK4 protein (p.Met457Leu). The methionine residue is weakly conserved and there is a small physicochemical difference between methionine and leucine.